The following is an entry in ClinVar:

ClinVar aggregate classification (germline): Likely pathogenic (1 of 4 stars; one submission).

Conditions:
Osteogenesis imperfecta (OI). Identifiers: Orphanet 666, MedGen C0029434, MeSH D010013, MONDO:0019019.

Submission:

Women's Health and Genetics/Laboratory Corporation of America, LabCorp
Classification: Likely pathogenic for Osteogenesis Imperfecta. Last evaluated: 2011-08-18. Review status: criteria provided, single submitter. Criteria: LabCorp Variant Classification Summary - May 2015. Collection method: curation, clinical testing. Allele origin: germline. Inheritance: autosomal unknown. Affected: yes.
ClinVar note: Converted during submission from likely pathogenic to Likely pathogenic.

NM_000088.4(COL1A1):c.1021G>T (p.Gly341Cys)

Gene: COL1A1 (collagen type I alpha 1 chain; minus strand). Cytogenetic location: 17q21.33.
Variant type: single nucleotide variant.
Coding change: c.1021G>T on transcript NM_000088.4 (MANE Select); coding-DNA position 1021, G replaced by T.
Protein change: p.Gly341Cys; replaces glycine 341 with cysteine.
Molecular consequence: missense variant.
Genome position (GRCh38, 1-based): chr17:50,195,958, C>A on the plus strand (G>T on the coding strand, the complement: COL1A1 is on the minus strand). VCF-style: chr17-50195958-C-A. GRCh37 (hg19) VCF-style: chr17-48273319-C-A.
Other names: short protein forms G341C.
Identifiers: ClinVar variation 35896 (VCV000035896.3), dbSNP rs193922137, ClinGen allele CA260264.